The following is an entry in ClinVar:

NM_017654.4(SAMD9):c.3117C>A (p.His1039Gln)

Gene: SAMD9 (sterile alpha motif domain containing 9; minus strand). Cytogenetic location: 7q21.2.
Variant type: single nucleotide variant.
Coding change: c.3117C>A on transcript NM_017654.4 (MANE Select); coding-DNA position 3117, C replaced by A.
Protein change: p.His1039Gln; replaces histidine 1039 with glutamine.
Molecular consequence: missense variant.
Genome position (GRCh38, 1-based): chr7:93,102,981, G>T on the plus strand (C>A on the coding strand, the complement: SAMD9 is on the minus strand). VCF-style: chr7-93102981-G-T. GRCh37 (hg19) VCF-style: chr7-92732294-G-T.
Other names: c.3117C>A, p.His1039Gln (NM_001193307.2); short protein forms H1039Q.
Identifiers: ClinVar variation 1337959 (VCV001337959.4), dbSNP rs773592900, ClinGen allele CA368188789.
Genomic context (GRCh38, chr7:93,102,981, plus strand): 5'-ATGTAATGCTTCAATAAATGGGGAAAACCAATTTCCTGTTTCACCTTCATGTTCATCGCG[G>T]TGTCTTGTGAGTAGGAGTGTGTGCATATCTTGCAAAAATTTACTTTTTCCCATACCAGTA-3'
Protein context (NP_060124.2, residues 1029-1049): QDMHTLLLTR[His1039Gln]RDEHEGETGN

ClinVar aggregate classification (germline): Uncertain significance (1 of 4 stars; one submission).

Submission:

Genetic Services Laboratory, University of Chicago
Classification: Uncertain significance. Last evaluated: 2021-06-08. Review status: criteria provided, single submitter. Criteria: ACMG Guidelines, 2015. Collection method: clinical testing. Allele origin: germline. Affected: no.
Comment: DNA sequence analysis of the SAMD9 gene demonstrated a sequence change, c.3117C>A, in exon 3 that results in an amino acid change, p.His1039Gln. This sequence change is absent from known population databases (gnomAD). The p.His1039Gln change affects a poorly conserved amino acid residue located in a domain of the SAMD9 protein that is not known to be functional. The p.His1039Gln substitution appears to be tolerated using several in-silico pathogenicity prediction tools (SIFT, PolyPhen2, Align GVGD, REVEL). This sequence change does not appear to have been previously described in patients with SAMD9-related disorders. Due to the lack of sufficient evidences, the clinical significance of the p.His1039Gln change remains unknown at this time.